The following is an entry in ClinVar:

ClinVar aggregate classification (germline): Benign. Review status: criteria provided, multiple submitters, no conflicts (2 of 4 stars). 2 submissions from 2 submitters: Benign (2). Last evaluated 2018-06-19.

Allele frequency attached by ClinVar (database versions not stated): 1000 Genomes Project 0.03415; 1000 Genomes Project 30x 0.03513; gnomAD 0.05012 and 0.05107; TOPMed 0.05194; gnomAD exomes 0.07014.
gnomAD v4.1: 44,304 of 675,114 alleles (6.6%); highest among the groups gnomAD compares: Non-Finnish European, 7.9%; 1,709 homozygotes.

Submissions (2):

GeneDx
Classification: Benign. Last evaluated: 2018-06-19. Review status: criteria provided, single submitter. Criteria: GeneDx Variant Classification (06012015). Collection method: clinical testing. Allele origin: germline. Affected: yes.
Comment: This variant is considered likely benign or benign based on one or more of the following criteria: it is a conservative change, it occurs at a poorly conserved position in the protein, it is predicted to be benign by multiple in silico algorithms, and/or has population frequency not consistent with disease.

Breakthrough Genomics
Classification: Benign. Review status: criteria provided, single submitter. Criteria: ACMG Guidelines, 2015. Collection method: not provided. Allele origin: germline. Inheritance: Autosomal recessive inheritance. Affected: yes.

NM_001377.3(DYNC2H1):c.11650-105T>C

Gene: DYNC2H1 (dynein cytoplasmic 2 heavy chain 1; plus strand). Cytogenetic location: 11q22.3.
Variant type: single nucleotide variant.
Coding change: c.11650-105T>C on transcript NM_001377.3 (MANE Select); 105 bases into the intron before coding-DNA position 11650, T replaced by C.
Molecular consequence: intron variant.
Genome position (GRCh38, 1-based): chr11:103,316,440, T>C. VCF-style: chr11-103316440-T-C. GRCh37 (hg19) VCF-style: chr11-103187169-T-C.
Other names: c.11671-105T>C (NM_001080463.2).
Identifiers: ClinVar variation 675057 (VCV000675057.2), dbSNP rs72975657, ClinGen allele CA227431411.